The following is an entry in ClinVar:

NC_000002.12:g.121530967A>C

Genes: CLASP1 (cytoplasmic linker associated protein 1; minus strand), CLASP1-AS1 (CLASP1 antisense RNA 1; plus strand), RNU4ATAC (RNA, U4atac small nuclear; plus strand). Cytogenetic location: 2q14.2.
Variant type: single nucleotide variant.
Molecular consequence: intron variant (on NM_001395891.1).
Genome position: GRCh38 VCF-style: chr2-121530967-A-C. GRCh37 (hg19) VCF-style: chr2-122288543-A-C.
Other names: c.196-642T>G (NM_001142274.2, NM_015282.3, NM_001378003.1 and 5 more transcripts).
Identifiers: ClinVar variation 1960903 (VCV001960903.5), dbSNP rs1203177262, ClinGen allele CA428888102.

ClinVar aggregate classification (germline): Uncertain significance (1 of 4 stars; one submission).

gnomAD v4.1: 2 of 700,450 alleles (0.00029%); highest among the groups gnomAD compares: Non-Finnish European, 0.00052%; no homozygotes.

Submission:

Labcorp Genetics (formerly Invitae), Labcorp
Classification: Uncertain significance. Last evaluated: 2022-09-17. Review status: criteria provided, single submitter. Criteria: Invitae Variant Classification Sherloc (09022015). Collection method: clinical testing. Allele origin: germline.
Comment: This variant occurs in the RNU4ATAC gene, which encodes an RNA molecule that does not result in a protein product. This variant is not present in population databases (gnomAD no frequency). This variant has not been reported in the literature in individuals affected with RNU4ATAC-related conditions. Experimental studies and prediction algorithms are not available or were not evaluated, and the functional significance of this variant is currently unknown. In summary, the available evidence is currently insufficient to determine the role of this variant in disease. Therefore, it has been classified as a Variant of Uncertain Significance.